The following is an entry in ClinVar:

NM_001193313.2(SUGCT):c.313-1G>C

Gene: SUGCT (succinyl-CoA:glutarate-CoA transferase; plus strand). Cytogenetic location: 7p14.1.
Variant type: single nucleotide variant.
Coding change: c.313-1G>C on transcript NM_001193313.2 (MANE Select); the canonical splice acceptor site of the intron before coding-DNA position 313, G replaced by C.
Molecular consequence: splice acceptor variant.
Genome position (GRCh38, 1-based): chr7:40,189,543, G>C. VCF-style: chr7-40189543-G-C. GRCh37 (hg19) VCF-style: chr7-40229142-G-C.
Other names: c.313-1G>C (NM_001193311.2, NM_001193312.2, NM_024728.3).
Identifiers: ClinVar variation 2581584 (VCV002581584.1), dbSNP rs2150734056, ClinGen allele CA367312076.
Genomic context (GRCh38, chr7:40,189,543, plus strand): 5'-TTGGGCTTCTTGTGTTTTGGTCATCGAAATAATATATATATATATATTTTTTAATTTTTA[G>C]AGTATTGCTGTTAATATCAAGGATCCAAAAGGGGTGAAAATCATCAAAGAGGTACAGTAT-3'

ClinVar aggregate classification (germline): Likely pathogenic (1 of 4 stars; one submission).

Conditions:
Glutaryl-CoA oxidase deficiency. Also called: GLUTARIC ACIDURIA III; Glutaric acidemia type 3; GA III. Identifiers: Orphanet 35706, MedGen C0342873, MONDO:0009283, OMIM 231690.

Submission:

Women's Health and Genetics/Laboratory Corporation of America, LabCorp
Classification: Likely pathogenic for Glutaryl-CoA oxidase deficiency. Last evaluated: 2023-08-08. Review status: criteria provided, single submitter. Criteria: LabCorp Variant Classification Summary - May 2015. Collection method: clinical testing. Allele origin: germline.
Comment: Variant summary: C7orf10 c.334-1G>C is located in a canonical splice-site and is predicted to affect mRNA splicing resulting in a significantly altered protein due to either exon skipping, shortening, or inclusion of intronic material. Several computational tools predict a significant impact on normal splicing: Four predict the variant abolishes the 3 canonical acceptor site. Three predict the variant creates a 3 cryptic acceptor site. One predicts the variant strengthens that 3 cryptic acceptor site. However, these predictions have yet to be confirmed by functional studies. The variant was absent in 29404 control chromosomes in gnomAD. To our knowledge, no occurrence of c.334-1G>C in individuals affected with Glutaryl-CoA Oxidase Deficiency and no experimental evidence demonstrating its impact on protein function have been reported. No submitters have cited clinical-significance assessments for this variant to ClinVar after 2014. Based on the evidence outlined above, the variant was classified as likely pathogenic.